The following is an entry in ClinVar:

ClinVar aggregate classification (germline): Uncertain significance (1 of 4 stars; one submission).

Conditions:
Nemaline myopathy 9 (NEM9). Identifiers: MedGen C3810384, MONDO:0014326, OMIM 615731.

Submission:

Labcorp Genetics (formerly Invitae), Labcorp
Classification: Uncertain significance for Nemaline myopathy 9. Last evaluated: 2021-02-22. Review status: criteria provided, single submitter. Criteria: Invitae Variant Classification Sherloc (09022015). Collection method: clinical testing. Allele origin: germline.
Comment: This sequence change replaces proline with leucine at codon 470 of the KLHL41 protein (p.Pro470Leu). The proline residue is highly conserved and there is a moderate physicochemical difference between proline and leucine. This variant is not present in population databases (ExAC no frequency). This variant has not been reported in the literature in individuals with KLHL41-related conditions. Algorithms developed to predict the effect of missense changes on protein structure and function (SIFT, PolyPhen-2, Align-GVGD) all suggest that this variant is likely to be tolerated, but these predictions have not been confirmed by published functional studies and their clinical significance is uncertain. In summary, the available evidence is currently insufficient to determine the role of this variant in disease. Therefore, it has been classified as a Variant of Uncertain Significance.

NM_006063.3(KLHL41):c.1409C>T (p.Pro470Leu)

Gene: KLHL41 (kelch like family member 41; plus strand). Cytogenetic location: 2q31.1.
Variant type: single nucleotide variant.
Coding change: c.1409C>T on transcript NM_006063.3 (MANE Select); coding-DNA position 1409, C replaced by T.
Protein change: p.Pro470Leu; replaces proline 470 with leucine.
Molecular consequence: missense variant.
Genome position (GRCh38, 1-based): chr2:169,518,222, C>T. VCF-style: chr2-169518222-C-T. GRCh37 (hg19) VCF-style: chr2-170374732-C-T.
Other names: short protein forms P470L.
Identifiers: ClinVar variation 1409490 (VCV001409490.8), dbSNP rs779897118, ClinGen allele CA349178990.